The following is an entry in ClinVar:

NM_017636.4(TRPM4):c.2938C>G (p.Gln980Glu)

Gene: TRPM4 (transient receptor potential cation channel subfamily M member 4; plus strand). Cytogenetic location: 19q13.33.
Variant type: single nucleotide variant.
Coding change: c.2938C>G on transcript NM_017636.4 (MANE Select); coding-DNA position 2938, C replaced by G.
Protein change: p.Gln980Glu; replaces glutamine 980 with glutamic acid.
Molecular consequence: missense variant.
Genome position (GRCh38, 1-based): chr19:49,200,770, C>G. VCF-style: chr19-49200770-C-G. GRCh37 (hg19) VCF-style: chr19-49704027-C-G.
Other names: c.2503C>G, p.Gln835Glu (NM_001195227.2); c.2593C>G, p.Gln865Glu (NM_001321281.2); c.1330C>G, p.Gln444Glu (NM_001321282.2); c.2416C>G, p.Gln806Glu (NM_001321283.2); c.1876C>G, p.Gln626Glu (NM_001321285.2); short protein forms Q806E, Q835E, Q865E, Q980E, Q444E, Q626E.
Identifiers: ClinVar variation 4724954 (VCV004724954.1).

ClinVar aggregate classification (germline): Uncertain significance (1 of 4 stars; one submission).

Conditions:
Progressive familial heart block type IB (PFHB1B). Identifiers: Orphanet 871, MedGen C1970298, MONDO:0011474, OMIM 604559.

Submission:

Labcorp Genetics (formerly Invitae), Labcorp
Classification: Uncertain significance for Progressive familial heart block type IB. Last evaluated: 2025-08-06. Review status: criteria provided, single submitter. Criteria: Invitae Variant Classification Sherloc (09022015). Collection method: clinical testing. Allele origin: germline.
Comment: This sequence change replaces glutamine, which is neutral and polar, with glutamic acid, which is acidic and polar, at codon 980 of the TRPM4 protein (p.Gln980Glu). This variant is not present in population databases (gnomAD no frequency). This variant has not been reported in the literature in individuals affected with TRPM4-related conditions. An algorithm developed to predict the effect of missense changes on protein structure and function (PolyPhen-2) suggests that this variant is likely to be disruptive. In summary, the available evidence is currently insufficient to determine the role of this variant in disease. Therefore, it has been classified as a Variant of Uncertain Significance.